The following is an entry in ClinVar:

NM_000051.4(ATM):c.7542T>G (p.Tyr2514Ter)

Genes: ATM (ATM serine/threonine kinase; plus strand), C11orf65 (chromosome 11 open reading frame 65; minus strand). Cytogenetic location: 11q22.3.
Variant type: single nucleotide variant.
Coding change: c.7542T>G on transcript NM_000051.4 (MANE Select); coding-DNA position 7542, T replaced by G.
Protein change: p.Tyr2514Ter; replaces tyrosine 2514 with a stop codon.
Molecular consequence: nonsense. On other transcripts: non-coding transcript variant (1), intron variant (2).
Genome position (GRCh38, 1-based): chr11:108,331,470, T>G. VCF-style: chr11-108331470-T-G. GRCh37 (hg19) VCF-style: chr11-108202197-T-G.
Other names: c.7542T>G, p.Tyr2514Ter (NM_001351834.2); c.641-22399A>C (NM_001330368.2); c.*38+3750A>C (NM_001351110.2); short protein forms Y2514*.
Identifiers: ClinVar variation 558362 (VCV000558362.18), dbSNP rs777925486, ClinGen allele CA6266138.

ClinVar aggregate classification (germline): Pathogenic. Review status: criteria provided, multiple submitters, no conflicts (2 of 4 stars). 7 submissions from 7 submitters: Pathogenic (6). 1 of the submissions does not count toward it. Last evaluated 2025-12-17.

Conditions:
Ataxia-telangiectasia syndrome (AT). Also called: Cerebello-oculocutaneous telangiectasia; Immunodeficiency with ataxia telangiectasia; Ataxia-telangiectasia, complementation group E; Ataxia-telangiectasia, complementation group D; AT, COMPLEMENTATION GROUP C; ATAXIA-TELANGIECTASIA, COMPLEMENTATION GROUP A. Identifiers: Orphanet 100, MedGen C0004135, MONDO:0008840, OMIM 208900.

gnomAD v4.1: 2 of 1,613,490 alleles (0.00012%); highest among the groups gnomAD compares: East Asian, 0.0022%; no homozygotes.

Submissions (7):

Labcorp Genetics (formerly Invitae), Labcorp
Classification: Pathogenic for Ataxia-telangiectasia syndrome. Last evaluated: 2025-12-17. Review status: criteria provided, single submitter. Criteria: Invitae Variant Classification Sherloc (09022015). Collection method: clinical testing. Allele origin: germline.
Comment: This sequence change creates a premature translational stop signal (p.Tyr2514*) in the ATM gene. It is expected to result in an absent or disrupted protein product. Loss-of-function variants in ATM are known to be pathogenic (PMID: 23807571, 25614872). This variant is present in population databases (rs777925486, gnomAD 0.003%). This premature translational stop signal has been observed in individual(s) with ataxia telangiectasia (PMID: 9792409). ClinVar contains an entry for this variant (Variation ID: 558362). For these reasons, this variant has been classified as Pathogenic.

Women's Health and Genetics/Laboratory Corporation of America, LabCorp
Classification: Pathogenic for Ataxia-telangiectasia syndrome. Last evaluated: 2025-09-12. Review status: criteria provided, single submitter. Criteria: LabCorp Variant Classification Summary - May 2015. Collection method: clinical testing. Allele origin: germline.
Comment: Variant summary: ATM c.7542T>G (p.Tyr2514X) results in a premature termination codon, predicted to cause a truncation of the encoded protein or absence of the protein due to nonsense mediated decay, which are commonly known mechanisms for disease. The variant allele was found at a frequency of 4e-06 in 251148 control chromosomes. c.7542T>G has been observed in the presumed compound heterozygous state in at least 1 individual(s) affected with Ataxia-telangiectasia syndrome (Broeks_1998). These report(s) do not provide unequivocal conclusions about association of the variant with Ataxia-telangiectasia syndrome. The following publication has been ascertained in the context of this evaluation (PMID: 9792409). ClinVar contains an entry for this variant (Variation ID: 558362). Based on the evidence outlined above, the variant was classified as pathogenic.

Quest Diagnostics Nichols Institute San Juan Capistrano
Classification: Pathogenic. Last evaluated: 2024-07-03. Review status: criteria provided, single submitter. Criteria: Quest Diagnostics criteria. Collection method: clinical testing. Allele origin: unknown.
Comment: The ATM c.7542T>G (p.Tyr2514*) variant causes the premature termination of ATM protein synthesis. This variant has been reported in the published literature in individuals with ataxia telangiectasia (PMIDs: 9792409 (1998), 22213089 (2011)). The frequency of this variant in the general population, 0.000004 (1/251148 chromosomes (Genome Aggregation Database)), is consistent with pathogenicity. Based on the available information, this variant is classified as pathogenic.

Natera, Inc.
Classification: Pathogenic for Ataxia-telangiectasia. Last evaluated: 2024-03-08. Review status: criteria provided, single submitter. Criteria: Natera Variant Classification Schema (03/2026). Collection method: clinical testing. Allele origin: germline.
Comment: The c.7542T>G variant in ATM is a nonsense variant predicted to introduce a stop codon at amino acid 2514. This variant is expected to result in nonsense mediated decay, truncation, or a dysfunctional protein product. This variant is rare in the general population with a frequency below the threshold expected for the associated phenotype(s). This variant has been observed in one or more individuals affected with the associated recessive disease, as either homozygous or compound heterozygous with a second variant (PMID: 22213089). Given the available evidence, this variant is classified as Pathogenic.

GeneDx
Classification: Pathogenic. Last evaluated: 2023-05-09. Review status: criteria provided, single submitter. Criteria: GeneDx Variant Classification Process June 2021. Collection method: clinical testing. Allele origin: germline. Affected: yes.
Comment: Nonsense variant predicted to result in protein truncation or nonsense mediated decay in a gene for which loss of function is a known mechanism of disease; Not observed at significant frequency in large population cohorts (gnomAD); Truncating variants in this gene are considered pathogenic by a well-established clinical consortium and/or database; Observed with a second pathogenic ATM variant in a patient with classical ataxia-telangiectasia (Broeks et al., 1998); This variant is associated with the following publications: (PMID: 25525159, 29922827, 9792409)

Revvity Omics, Revvity
Classification: Pathogenic for Ataxia-telangiectasia syndrome. Last evaluated: 2019-04-03. Review status: criteria provided, single submitter. Criteria: ACMG Guidelines, 2015. Collection method: clinical testing. Allele origin: germline.

Counsyl
Classification: Pathogenic for Ataxia-telangiectasia syndrome. Last evaluated: 2018-05-16. Review status: no assertion criteria provided. Collection method: clinical testing. Allele origin: unknown. Not counted in ClinVar's aggregate classification.

Literature cited by the submitters: PubMed 23807571 (cited by Labcorp Genetics (formerly Invitae), Labcorp); PubMed 25614872 (cited by Labcorp Genetics (formerly Invitae), Labcorp); PubMed 9792409 (cited by 3 submitters); PubMed 22213089 (cited by 3 submitters).